The following is an entry in ClinVar:

NM_021922.3(FANCE):c.970-6A>T

Gene: FANCE (FA complementation group E; plus strand). Cytogenetic location: 6p21.31.
Variant type: single nucleotide variant.
Coding change: c.970-6A>T on transcript NM_021922.3 (MANE Select); 6 bases into the intron before coding-DNA position 970, A replaced by T.
Molecular consequence: intron variant.
Genome position (GRCh38, 1-based): chr6:35,458,291, A>T. VCF-style: chr6-35458291-A-T. GRCh37 (hg19) VCF-style: chr6-35426068-A-T.
Identifiers: ClinVar variation 661462 (VCV000661462.8), dbSNP rs1206121566, ClinGen allele CA915944240.
Genomic context (GRCh38, chr6:35,458,291, plus strand): 5'-GAGACAGCCTAGCAGAGGCAGAGTGCATGTCCCGGTGTCCTCTCTCCCCCCGCACTCTGT[A>T]AGCAGATGGACTTGCTGTGTGCCCAGCTGCAGCTCCCTCAGCTCTCAGACCTCGGTCTCC-3'

ClinVar aggregate classification (germline): Uncertain significance (1 of 4 stars; one submission).

Conditions:
Fanconi anemia complementation group E (FANCE). Also called: FANCE-Related Fanconi Anemia. Identifiers: Orphanet 84, MedGen C3160739, MONDO:0010953, OMIM 600901.

Submission:

Labcorp Genetics (formerly Invitae), Labcorp
Classification: Uncertain significance for Fanconi anemia complementation group E. Last evaluated: 2018-07-26. Review status: criteria provided, single submitter. Criteria: Invitae Variant Classification Sherloc (09022015). Collection method: clinical testing. Allele origin: germline.
Comment: This sequence change falls in intron 4 of the FANCE gene. It does not directly change the encoded amino acid sequence of the FANCE protein. This variant is not present in population databases (ExAC no frequency). This variant has not been reported in the literature in individuals with FANCE-related disease. In summary, the available evidence is currently insufficient to determine the role of this variant in disease. Therefore, it has been classified as a Variant of Uncertain Significance. Algorithms developed to predict the effect of sequence changes on RNA splicing suggest that this variant may create or strengthen a splice site, but this prediction has not been confirmed by published transcriptional studies.